The following is an entry in ClinVar:

NM_018713.3(SLC30A10):c.*744G>T

Gene: SLC30A10 (solute carrier family 30 member 10; minus strand). Cytogenetic location: 1q41.
Variant type: single nucleotide variant.
Coding change: c.*744G>T on transcript NM_018713.3 (MANE Select); 744 bases downstream of the stop codon, G replaced by T.
Molecular consequence: 3 prime UTR variant. On other transcripts: non-coding transcript variant (2).
Genome position (GRCh38, 1-based): chr1:219,914,705, C>A on the plus strand (G>T on the coding strand, the complement: SLC30A10 is on the minus strand). VCF-style: chr1-219914705-C-A. GRCh37 (hg19) VCF-style: chr1-220088047-C-A.
Other names: c.*744G>T (NM_001376929.1).
Identifiers: ClinVar variation 295578 (VCV000295578.6), dbSNP rs2275707, ClinGen allele CA10610088.
Genomic context (GRCh38, chr1:219,914,705, plus strand): 5'-GAAAACAGCTCCAACTATACTGACTCTAAAAGACAGTATATGAGTATTTGTGTCATACTT[C>A]AGGAAACTGAAATATTCCCTCACTTCCATGGAAAAAAATGTATTATATATTTAAGCATTT-3'

ClinVar aggregate classification (germline): Benign. Review status: criteria provided, multiple submitters, no conflicts (2 of 4 stars). 2 submissions from 2 submitters: Benign (2). Last evaluated 2018-01-12.

Conditions:
Hypermanganesemia with dystonia, polycythemia, and cirrhosis (HMNDYT1). Also called: Hepatic Cirrhosis, Dystonia, Polycythemia and Hypermanganesemia; Cirrhosis - dystonia - polycythemia - hypermanganesemia syndrome; Hypermanganesemia with Dystonia 1. Identifiers: Orphanet 309854, MedGen C2750442, MONDO:0013208, OMIM 613280.

Allele frequency attached by ClinVar (database versions not stated): gnomAD 0.85119 and 0.85264; TOPMed 0.85520; 1000 Genomes Project 0.86981; 1000 Genomes Project 30x 0.87383; gnomAD exomes 1.00000.
gnomAD v4.1: 129,380 of 152,250 alleles (85%); highest among the groups gnomAD compares: African/African-American, 96%; 55,385 homozygotes.

Submissions (2):

Illumina Laboratory Services, Illumina
Classification: Benign for Hypermanganesemia with dystonia, polycythemia, and cirrhosis. Last evaluated: 2018-01-12. Review status: criteria provided, single submitter. Criteria: ICSL Variant Classification Criteria 13 December 2019. Collection method: clinical testing. Allele origin: germline.
Comment: This variant was observed in the ICSL laboratory as part of a predisposition screen in an ostensibly healthy population. It had not been previously curated by ICSL or reported in the Human Gene Mutation Database (HGMD: prior to June 1st, 2018), and was therefore a candidate for classification through an automated scoring system. Utilizing variant allele frequency, disease prevalence and penetrance estimates, and inheritance mode, an automated score was calculated to assess if this variant is too frequent to cause the disease. Based on the score and internal cut-off values, a variant classified as benign is not then subjected to further curation. The score for this variant resulted in a classification of benign for this disease.

Breakthrough Genomics
Classification: Benign. Review status: criteria provided, single submitter. Criteria: ACMG Guidelines, 2015. Collection method: not provided. Allele origin: germline. Inheritance: Autosomal recessive inheritance. Affected: yes.